The following is an entry in ClinVar:

ClinVar aggregate classification (germline): Uncertain significance (1 of 4 stars; one submission).

gnomAD v4.1: 5 of 1,611,526 alleles (0.00031%); highest among the groups gnomAD compares: Admixed American, 0.0084%; no homozygotes.

Submission:

Labcorp Genetics (formerly Invitae), Labcorp
Classification: Uncertain significance. Last evaluated: 2025-05-26. Review status: criteria provided, single submitter. Criteria: Invitae Variant Classification Sherloc (09022015). Collection method: clinical testing. Allele origin: germline.
Comment: This sequence change replaces alanine, which is neutral and non-polar, with serine, which is neutral and polar, at codon 28 of the PCGF2 protein (p.Ala28Ser). This variant is not present in population databases (gnomAD no frequency). This variant has not been reported in the literature in individuals affected with PCGF2-related conditions. ClinVar contains an entry for this variant (Variation ID: 1977931). Invitae Evidence Modeling of protein sequence and biophysical properties (such as structural, functional, and spatial information, amino acid conservation, physicochemical variation, residue mobility, and thermodynamic stability) indicates that this missense variant is expected to disrupt PCGF2 protein function with a positive predictive value of 80%. In summary, the available evidence is currently insufficient to determine the role of this variant in disease. Therefore, it has been classified as a Variant of Uncertain Significance.

NM_007144.3(PCGF2):c.82G>T (p.Ala28Ser)

Gene: PCGF2 (polycomb group ring finger 2; minus strand). Cytogenetic location: 17q12.
Variant type: single nucleotide variant.
Coding change: c.82G>T on transcript NM_007144.3 (MANE Select); coding-DNA position 82, G replaced by T.
Protein change: p.Ala28Ser; replaces alanine 28 with serine.
Molecular consequence: missense variant.
Genome position (GRCh38, 1-based): chr17:38,740,321, C>A on the plus strand (G>T on the coding strand, the complement: PCGF2 is on the minus strand). VCF-style: chr17-38740321-C-A. GRCh37 (hg19) VCF-style: chr17-36896574-C-A.
Other names: c.82G>T, p.Ala28Ser (NM_001369614.1, NM_001369615.1); short protein forms A28S.
Identifiers: ClinVar variation 1977931 (VCV001977931.5), dbSNP rs968126661, ClinGen allele CA398823387.